The following is an entry in ClinVar:

NM_001365902.3(NFIX):c.28-329_28-299del

Gene: NFIX (nuclear factor I X; plus strand). Cytogenetic location: 19p13.13.
Variant type: Deletion.
Coding change: c.28-329_28-299del on transcript NM_001365902.3 (MANE Select); 329 bases into the intron before coding-DNA position 28 through 299 bases into the intron before coding-DNA position 28, 31 bases deleted.
Molecular consequence: intron variant. On other transcripts: splice donor variant (3).
Genome position (GRCh38, 1-based): chr19:13,024,692-13,024,722, 31 bases deleted; deleting any 31 consecutive bases within chr19:13,024,683-13,024,722 gives the same sequence; the c. name uses the placement nearest the transcript's 3' end. GRCh37 (hg19): chr19:13,135,506-13,135,536.
Other names: c.28-329_28-299del (NM_002501.4, NM_001365982.2); c.4-329_4-299del (NM_001378404.1, NM_001271044.3); c.48_75+3del (NM_001378405.1); c.-115+10_-115+40del (NM_001365983.2); c.51+8_51+38del (NM_001271043.2).
Identifiers: ClinVar variation 3759867 (VCV003759867.2).
Genomic context (GRCh38, chr19:13,024,682, plus strand): 5'-CTGCGATAGAACATGGAGATGTCATGGGCGCGACAGAGCCTGGCGGGGATACCAGCAGCG[TGTGTGTGTGGACGGCAACGTTGTCTGTGCGC>T]GTGTGTGTGAGTGAGTGAGGGAGAGAGAGAGAGAATAGGTGTGTGTAGAGGCTCCCGGTG-3'

ClinVar aggregate classification (germline): Uncertain significance (1 of 4 stars; one submission).

Conditions:
Marshall-Smith syndrome (MRSHSS). Identifiers: Orphanet 561, MedGen C0265211, MONDO:0011244, OMIM 602535.
Malan overgrowth syndrome (MALNS). Also called: NFIX-Related Malan Syndrome; MALAN SYNDROME; Sotos syndrome 2. Identifiers: Orphanet 420179, MedGen C3553660, MONDO:0013885, OMIM 614753.

Submission:

Labcorp Genetics (formerly Invitae), Labcorp
Classification: Uncertain significance for Malan overgrowth syndrome; Marshall-Smith syndrome. Last evaluated: 2024-11-24. Review status: criteria provided, single submitter. Criteria: Invitae Variant Classification Sherloc (09022015). Collection method: clinical testing. Allele origin: germline.
Comment: This sequence change falls in intron 1 of the NFIX gene. It does not directly change the encoded amino acid sequence of the NFIX protein. This variant is not present in population databases (gnomAD no frequency). This variant has not been reported in the literature in individuals affected with NFIX-related conditions. Experimental studies and prediction algorithms are not available or were not evaluated, and the effect of this variant on mRNA splicing is currently unknown. In summary, the available evidence is currently insufficient to determine the role of this variant in disease. Therefore, it has been classified as a Variant of Uncertain Significance.